The following is an entry in ClinVar:

ClinVar aggregate classification (germline): Likely benign. Review status: criteria provided, single submitter (1 of 4 stars). 2 submissions from 2 submitters: Likely benign (1). 1 of the submissions does not count toward it. Last evaluated 2025-11-17.

Conditions:
TFRC-related disorder. Also called: TFRC-related condition.

Allele frequency attached by ClinVar (database versions not stated): TOPMed 0.00003; gnomAD 0.00004; gnomAD exomes 0.00005 and 0.00007; ExAC 0.00009.
gnomAD v4.1: 72 of 1,610,296 alleles (0.0045%); highest among the groups gnomAD compares: Middle Eastern, 0.016%; no homozygotes.

Submissions (2):

Labcorp Genetics (formerly Invitae), Labcorp
Classification: Likely benign. Last evaluated: 2025-11-17. Review status: criteria provided, single submitter. Criteria: Invitae Variant Classification Sherloc (09022015). Collection method: clinical testing. Allele origin: germline.

PreventionGenetics, part of Exact Sciences
Classification: Likely benign for TFRC-related condition. Last evaluated: 2020-02-19. Review status: no assertion criteria provided. Collection method: clinical testing. Allele origin: germline. Not counted in ClinVar's aggregate classification.
Comment: This variant is classified as likely benign based on ACMG/AMP sequence variant interpretation guidelines (Richards et al. 2015 PMID: 25741868, with internal and published modifications).

NM_001128148.3(TFRC):c.435-10T>G

Gene: TFRC (transferrin receptor; minus strand). Cytogenetic location: 3q29.
Variant type: single nucleotide variant.
Coding change: c.435-10T>G on transcript NM_001128148.3 (MANE Select); 10 bases into the intron before coding-DNA position 435, T replaced by G.
Molecular consequence: intron variant.
Genome position (GRCh38, 1-based): chr3:196,072,162, A>C on the plus strand (T>G on the coding strand, the complement: TFRC is on the minus strand). VCF-style: chr3-196072162-A-C. GRCh37 (hg19) VCF-style: chr3-195799033-A-C.
Other names: c.-412-10T>G (NM_001313966.2); c.192-10T>G (NM_001313965.2); c.435-10T>G (NM_003234.4, NM_003234.3).
Identifiers: ClinVar variation 1414385 (VCV001414385.8), dbSNP rs200318282, ClinGen allele CA2778300.